The following is an entry in ClinVar:

ClinVar aggregate classification (germline): Uncertain significance. Review status: criteria provided, multiple submitters, no conflicts (2 of 4 stars). 2 submissions from 2 submitters: Uncertain significance (2). Last evaluated 2025-11-05.

Conditions:
Inborn genetic diseases. Identifiers: MedGen C0950123, MeSH D030342.

Allele frequency attached by ClinVar (database versions not stated): gnomAD exomes 0.00001 and 0.00006; TOPMed 0.00009; gnomAD 0.00016 and 0.00017.
gnomAD v4.1: 42 of 1,563,860 alleles (0.0027%); highest among the groups gnomAD compares: Admixed American, 0.065%; no homozygotes.

Submissions (2):

Ambry Genetics
Classification: Uncertain significance for Inborn genetic diseases. Last evaluated: 2025-11-05. Review status: criteria provided, single submitter. Criteria: Ambry Variant Classification Scheme 2023. Collection method: clinical testing. Allele origin: germline.

Labcorp Genetics (formerly Invitae), Labcorp
Classification: Uncertain significance. Last evaluated: 2023-08-04. Review status: criteria provided, single submitter. Criteria: Invitae Variant Classification Sherloc (09022015). Collection method: clinical testing. Allele origin: germline.
Comment: ClinVar contains an entry for this variant (Variation ID: 1350679). Advanced modeling of protein sequence and biophysical properties (such as structural, functional, and spatial information, amino acid conservation, physicochemical variation, residue mobility, and thermodynamic stability) performed at Invitae indicates that this missense variant is not expected to disrupt GNPAT protein function. In summary, the available evidence is currently insufficient to determine the role of this variant in disease. Therefore, it has been classified as a Variant of Uncertain Significance. This variant has not been reported in the literature in individuals affected with GNPAT-related conditions. This sequence change replaces tyrosine, which is neutral and polar, with cysteine, which is neutral and slightly polar, at codon 511 of the GNPAT protein (p.Tyr511Cys). This variant is present in population databases (no rsID available, gnomAD 0.04%).

NM_014236.4(GNPAT):c.1532A>G (p.Tyr511Cys)

Gene: GNPAT (glyceronephosphate O-acyltransferase; plus strand). Cytogenetic location: 1q42.2.
Variant type: single nucleotide variant.
Coding change: c.1532A>G on transcript NM_014236.4 (MANE Select); coding-DNA position 1532, A replaced by G.
Protein change: p.Tyr511Cys; replaces tyrosine 511 with cysteine.
Molecular consequence: missense variant.
Genome position (GRCh38, 1-based): chr1:231,272,321, A>G. VCF-style: chr1-231272321-A-G. GRCh37 (hg19) VCF-style: chr1-231408067-A-G.
Other names: c.1532A>G (NM_014236.3); c.1349A>G, p.Tyr450Cys (NM_001316350.2); short protein forms Y511C, Y450C.
Identifiers: ClinVar variation 1350679 (VCV001350679.7), dbSNP rs1274199740, ClinGen allele CA345237853.